The following is an entry in ClinVar:

ClinVar aggregate classification (germline): Likely benign. Review status: criteria provided, multiple submitters, no conflicts (2 of 4 stars). 3 submissions from 3 submitters: Likely benign (3). Last evaluated 2026-07-01.

Conditions:
CACNA1D-related disorder.

Allele frequency attached by ClinVar (database versions not stated): gnomAD exomes 0.00002 and 0.00004; ExAC 0.00003; TOPMed 0.00004; gnomAD 0.00005.
gnomAD v4.1: 41 of 1,609,126 alleles (0.0025%); highest among the groups gnomAD compares: African/African-American, 0.011%; no homozygotes.

Submissions (3):

CeGaT Center for Human Genetics Tuebingen
Classification: Likely benign. Last evaluated: 2026-07-01. Review status: criteria provided, single submitter. Criteria: CeGaT Center For Human Genetics Tuebingen Variant Classification Criteria Version 2. Collection method: clinical testing. Allele origin: germline. Affected: yes. Observed: 1 variant allele.
Comment: CACNA1D: BP4

Labcorp Genetics (formerly Invitae), Labcorp
Classification: Likely benign. Last evaluated: 2025-12-23. Review status: criteria provided, single submitter. Criteria: Invitae Variant Classification Sherloc (09022015). Collection method: clinical testing. Allele origin: germline.

PreventionGenetics, part of Exact Sciences
Classification: Likely benign for CACNA1D-related condition. Last evaluated: 2024-11-09. Review status: criteria provided, single submitter. Criteria: ACMG Guidelines, 2015. Collection method: clinical testing. Allele origin: germline.
Comment: This variant is classified as likely benign based on ACMG/AMP sequence variant interpretation guidelines (Richards et al. 2015 PMID: 25741868, with internal and published modifications).

NM_001128840.3(CACNA1D):c.3167+7G>A

Gene: CACNA1D (calcium voltage-gated channel subunit alpha1 D; plus strand). Cytogenetic location: 3p21.1.
Variant type: single nucleotide variant.
Coding change: c.3167+7G>A on transcript NM_001128840.3 (MANE Select); 7 bases into the intron after coding-DNA position 3167, G replaced by A.
Molecular consequence: intron variant.
Genome position (GRCh38, 1-based): chr3:53,745,882, G>A. VCF-style: chr3-53745882-G-A. GRCh37 (hg19) VCF-style: chr3-53779909-G-A.
Other names: c.3227+7G>A (NM_000720.3, NM_000720.4); c.3167+7G>A (NM_001128839.3).
Identifiers: ClinVar variation 1552656 (VCV001552656.10), dbSNP rs765494702, ClinGen allele CA2454467.
Genomic context (GRCh38, chr3:53,745,882, plus strand): 5'-GGGGAAGTTCTATCGCTGTACGGATGAAGCCAAAAGTAACCCTGAAGAATGCAGGTGAGC[G>A]TCCTGAGAGTGGAGTAGGGGACTTAGAAGAGCAAATAGCAGACTTCAAGGATTCACACAT-3'